The following is an entry in ClinVar:

NM_004168.4(SDHA):c.377C>T (p.Thr126Ile)

Gene: SDHA (succinate dehydrogenase complex flavoprotein subunit A; plus strand). Cytogenetic location: 5p15.33.
Variant type: single nucleotide variant.
Coding change: c.377C>T on transcript NM_004168.4 (MANE Select); coding-DNA position 377, C replaced by T.
Protein change: p.Thr126Ile; replaces threonine 126 with isoleucine.
Molecular consequence: missense variant. On other transcripts: intron variant (1).
Genome position (GRCh38, 1-based): chr5:225,483, C>T. VCF-style: chr5-225483-C-T. GRCh37 (hg19) VCF-style: chr5-225598-C-T.
Other names: c.377C>T, p.Thr126Ile (NM_001330758.2); c.313-400C>T (NM_001294332.2); short protein forms T126I.
Identifiers: ClinVar variation 2922303 (VCV002922303.3), dbSNP rs748121363, ClinGen allele CA359009386.

ClinVar aggregate classification (germline): Uncertain significance (1 of 4 stars; one submission).

Conditions:
Mitochondrial complex II deficiency, nuclear type 1. Also called: SUCCINATE CoQ REDUCTASE DEFICIENCY. Identifiers: Orphanet 3208, MedGen C5700310, MONDO:0100294, OMIM 252011.
Pheochromocytoma/paraganglioma syndrome 5. Also called: Paragangliomas 5; SDHA-Related Hereditary Paraganglioma-Pheochromocytoma Syndrome. Identifiers: Orphanet 29072, MedGen C3279992, MONDO:0013602, OMIM 614165.

Submission:

Labcorp Genetics (formerly Invitae), Labcorp
Classification: Uncertain significance for Pheochromocytoma/paraganglioma syndrome 5; Mitochondrial complex II deficiency, nuclear type 1. Last evaluated: 2024-01-19. Review status: criteria provided, single submitter. Criteria: Invitae Variant Classification Sherloc (09022015). Collection method: clinical testing. Allele origin: germline.
Comment: This sequence change replaces threonine, which is neutral and polar, with isoleucine, which is neutral and non-polar, at codon 126 of the SDHA protein (p.Thr126Ile). This variant is not present in population databases (gnomAD no frequency). This variant has not been reported in the literature in individuals affected with SDHA-related conditions. Advanced modeling of protein sequence and biophysical properties (such as structural, functional, and spatial information, amino acid conservation, physicochemical variation, residue mobility, and thermodynamic stability) has been performed at Invitae for this missense variant, however the output from this modeling did not meet the statistical confidence thresholds required to predict the impact of this variant on SDHA protein function. In summary, the available evidence is currently insufficient to determine the role of this variant in disease. Therefore, it has been classified as a Variant of Uncertain Significance.